The following is an entry in ClinVar:

ClinVar aggregate classification (germline): Conflicting classifications of pathogenicity. Review status: criteria provided, conflicting classifications (1 of 4 stars). 3 submissions from 3 submitters: Uncertain significance (1); Likely benign (2). Last evaluated 2025-08-11.

Conditions:
Hereditary cancer-predisposing syndrome. Also called: Neoplastic Syndromes, Hereditary; Hereditary Cancer Syndrome; Tumor predisposition; Hereditary neoplastic syndrome. Identifiers: Orphanet 140162, MedGen C0027672, MeSH D009386, MONDO:0015356.
Carney complex, type 1 (CNC1). Also called: CARNEY COMPLEX, TYPE I; CARNEY MYXOMA-ENDOCRINE COMPLEX. Identifiers: Orphanet 1359, MedGen C2607929, MONDO:0008057, OMIM 160980.

Allele frequency attached by ClinVar (database versions not stated): TOPMed below 0.00001.

Submissions (3):

Ambry Genetics
Classification: Likely benign for Hereditary cancer-predisposing syndrome. Last evaluated: 2025-08-11. Review status: criteria provided, single submitter. Criteria: Ambry Variant Classification Scheme 2023. Collection method: clinical testing. Allele origin: germline.

Labcorp Genetics (formerly Invitae), Labcorp
Classification: Likely benign for Carney complex, type 1. Last evaluated: 2025-03-26. Review status: criteria provided, single submitter. Criteria: Invitae Variant Classification Sherloc (09022015). Collection method: clinical testing. Allele origin: germline.

GeneDx
Classification: Uncertain significance. Last evaluated: 2023-03-07. Review status: criteria provided, single submitter. Criteria: GeneDx Variant Classification Process June 2021. Collection method: clinical testing. Allele origin: germline. Affected: yes.
Comment: Not observed at significant frequency in large population cohorts (gnomAD); Has not been previously published as pathogenic or benign to our knowledge; In silico analysis suggests this variant may impact gene splicing. In the absence of RNA/functional studies, the actual effect of this sequence change is unknown.

NM_002734.5(PRKAR1A):c.300C>T (p.Ile100=)

Gene: PRKAR1A (protein kinase cAMP-dependent type I regulatory subunit alpha; plus strand). Cytogenetic location: 17q24.2.
Variant type: single nucleotide variant.
Coding change: c.300C>T on transcript NM_002734.5 (MANE Select); coding-DNA position 300, C replaced by T.
Protein change: p.Ile100=; no amino-acid change (isoleucine 100 retained).
Molecular consequence: synonymous variant.
Genome position (GRCh38, 1-based): chr17:68,522,878, C>T. VCF-style: chr17-68522878-C-T. GRCh37 (hg19) VCF-style: chr17-66519019-C-T.
Other names: c.300C>T, p.Ile100= (NM_001369389.1, NM_001369390.1, NM_212471.3 and 4 more transcripts).
Identifiers: ClinVar variation 1133819 (VCV001133819.12), dbSNP rs778361747, ClinGen allele CA8729204.